The following is an entry in ClinVar:

NM_002473.6(MYH9):c.2216C>T (p.Ala739Val)

Gene: MYH9 (myosin heavy chain 9; minus strand). Cytogenetic location: 22q12.3.
Variant type: single nucleotide variant.
Coding change: c.2216C>T on transcript NM_002473.6 (MANE Select); coding-DNA position 2216, C replaced by T.
Protein change: p.Ala739Val; replaces alanine 739 with valine.
Molecular consequence: missense variant.
Genome position (GRCh38, 1-based): chr22:36,305,046, G>A on the plus strand (C>T on the coding strand, the complement: MYH9 is on the minus strand). VCF-style: chr22-36305046-G-A. GRCh37 (hg19) VCF-style: chr22-36701092-G-A.
Other names: short protein forms A739V.
Identifiers: ClinVar variation 2074496 (VCV002074496.4), dbSNP rs368367291, ClinGen allele CA10210052.

ClinVar aggregate classification (germline): Uncertain significance (1 of 4 stars; one submission).

Allele frequency attached by ClinVar (database versions not stated): ExAC 0.00002; gnomAD exomes 0.00002; gnomAD 0.00003; TOPMed 0.00004; ESP Exome Variant Server 0.00008.
gnomAD v4.1: 41 of 1,613,870 alleles (0.0025%); highest among the groups gnomAD compares: Admixed American, 0.013%; no homozygotes.

Submission:

Labcorp Genetics (formerly Invitae), Labcorp
Classification: Uncertain significance. Last evaluated: 2026-01-07. Review status: criteria provided, single submitter. Criteria: Invitae Variant Classification Sherloc (09022015). Collection method: clinical testing. Allele origin: germline.
Comment: This sequence change replaces alanine, which is neutral and non-polar, with valine, which is neutral and non-polar, at codon 739 of the MYH9 protein (p.Ala739Val). This variant is present in population databases (rs368367291, gnomAD 0.03%). This missense change has been observed in individual(s) with MYH9-related disorders (PMID: 33004838). ClinVar contains an entry for this variant (Variation ID: 2074496). Invitae Evidence Modeling of protein sequence and biophysical properties (such as structural, functional, and spatial information, amino acid conservation, physicochemical variation, residue mobility, and thermodynamic stability) indicates that this missense variant is not expected to disrupt MYH9 protein function with a negative predictive value of 80%. In summary, the available evidence is currently insufficient to determine the role of this variant in disease. Therefore, it has been classified as a Variant of Uncertain Significance.

Literature cited by the submitters: PubMed 33004838.